The following is an entry in ClinVar:

NM_006904.7(PRKDC):c.2108G>C (p.Cys703Ser)

Gene: PRKDC (protein kinase, DNA-activated, catalytic subunit; minus strand). Cytogenetic location: 8q11.21.
Variant type: single nucleotide variant.
Coding change: c.2108G>C on transcript NM_006904.7 (MANE Select); coding-DNA position 2108, G replaced by C.
Protein change: p.Cys703Ser; replaces cysteine 703 with serine.
Molecular consequence: missense variant.
Genome position (GRCh38, 1-based): chr8:47,929,123, C>G on the plus strand (G>C on the coding strand, the complement: PRKDC is on the minus strand). VCF-style: chr8-47929123-C-G. GRCh37 (hg19) VCF-style: chr8-48841683-C-G.
Other names: c.2108G>C, p.Cys703Ser (NM_001081640.2); short protein forms C703S.
Identifiers: ClinVar variation 3225777 (VCV003225777.1), dbSNP rs1420504800, ClinGen allele CA371163813.
Genomic context (GRCh38, chr8:47,929,123, plus strand): 5'-AACACTAAGATAAATCATTTAAAAATTACCTCTTTGCCAAATTTCACAAATAAAGCAAAG[C>G]AAGAATACTTTTCTGGGTCTTCAGGAGAGTGTTTCAGACTCTTTGGACTAACTCCCTGTC-3'
Protein context (NP_008835.5, residues 693-713): HSPEDPEKYS[Cys703Ser]FALFVKFGKE

ClinVar aggregate classification (germline): Uncertain significance (1 of 4 stars; one submission).

Allele frequency attached by ClinVar (database versions not stated): TOPMed below 0.00001.

Submission:

Ambry Genetics
Classification: Uncertain significance. Last evaluated: 2024-02-25. Review status: criteria provided, single submitter. Criteria: Ambry Variant Classification Scheme 2023. Collection method: clinical testing. Allele origin: germline.
Comment: The p.C703S variant (also known as c.2108G>C), located in coding exon 19 of the PRKDC gene, results from a G to C substitution at nucleotide position 2108. The cysteine at codon 703 is replaced by serine, an amino acid with dissimilar properties. This amino acid position is conserved. In addition, the in silico prediction for this alteration is inconclusive. Based on the available evidence, the clinical significance of this alteration remains unclear.